The following is an entry in ClinVar:

NM_001563.4(IMPG1):c.68-3C>A

Gene: IMPG1 (interphotoreceptor matrix proteoglycan 1; minus strand). Cytogenetic location: 6q14.1.
Variant type: single nucleotide variant.
Coding change: c.68-3C>A on transcript NM_001563.4 (MANE Select); 3 bases into the intron before coding-DNA position 68, C replaced by A.
Molecular consequence: intron variant.
Genome position (GRCh38, 1-based): chr6:76,042,129, G>T on the plus strand (C>A on the coding strand, the complement: IMPG1 is on the minus strand). VCF-style: chr6-76042129-G-T. GRCh37 (hg19) VCF-style: chr6-76751846-G-T.
Other names: c.68-7342C>A (NM_001282368.2).
Identifiers: ClinVar variation 1046064 (VCV001046064.6), dbSNP rs1252016604, ClinGen allele CA568598859.

ClinVar aggregate classification (germline): Uncertain significance (1 of 4 stars; one submission).

Allele frequency attached by ClinVar (database versions not stated): TOPMed below 0.00001; gnomAD exomes 0.00001.
gnomAD v4.1: 13 of 1,392,264 alleles (0.00093%); highest among the groups gnomAD compares: Non-Finnish European, 0.0013%; no homozygotes.

Submission:

Labcorp Genetics (formerly Invitae), Labcorp
Classification: Uncertain significance. Last evaluated: 2022-08-22. Review status: criteria provided, single submitter. Criteria: Invitae Variant Classification Sherloc (09022015). Collection method: clinical testing. Allele origin: germline.
Comment: ClinVar contains an entry for this variant (Variation ID: 1046064). This variant has not been reported in the literature in individuals affected with IMPG1-related conditions. This variant is present in population databases (no rsID available, gnomAD 0.002%). This sequence change falls in intron 1 of the IMPG1 gene. It does not directly change the encoded amino acid sequence of the IMPG1 protein. It affects a nucleotide within the consensus splice site. Variants that disrupt the consensus splice site are a relatively common cause of aberrant splicing (PMID: 17576681, 9536098). Algorithms developed to predict the effect of sequence changes on RNA splicing suggest that this variant may disrupt the consensus splice site. In summary, the available evidence is currently insufficient to determine the role of this variant in disease. Therefore, it has been classified as a Variant of Uncertain Significance.

Literature cited by the submitters: PubMed 17576681; PubMed 9536098.